The following is an entry in ClinVar:

NM_000059.4(BRCA2):c.10097G>A (p.Ser3366Asn)

Gene: BRCA2 (BRCA2 DNA repair associated; plus strand). Cytogenetic location: 13q13.1.
Variant type: single nucleotide variant.
Coding change: c.10097G>A on transcript NM_000059.4 (MANE Select); coding-DNA position 10097, G replaced by A.
Protein change: p.Ser3366Asn; replaces serine 3366 with asparagine.
Molecular consequence: missense variant. On other transcripts: non-coding transcript variant (1).
Genome position (GRCh38, 1-based): chr13:32,398,610, G>A. VCF-style: chr13-32398610-G-A. GRCh37 (hg19) VCF-style: chr13-32972747-G-A.
Other names: c.10001G>A, p.Ser3334Asn (NM_001406719.1); c.10046G>A, p.Ser3349Asn (NM_001406720.1); c.5165G>A, p.Ser1722Asn (NM_001406721.1); c.3680G>A, p.Ser1227Asn (NM_001406722.1); short protein forms S1227N, S3349N, S3334N, S1722N, S3366N.
Identifiers: ClinVar variation 3261577 (VCV003261577.1).

ClinVar aggregate classification (germline): Uncertain significance (1 of 4 stars; one submission).

Conditions:
Hereditary cancer-predisposing syndrome. Also called: Hereditary Cancer Syndrome; Tumor predisposition; Hereditary neoplastic syndrome; Neoplastic Syndromes, Hereditary. Identifiers: Orphanet 140162, MedGen C0027672, MeSH D009386, MONDO:0015356.

Submission:

Ambry Genetics
Classification: Uncertain significance for Hereditary cancer-predisposing syndrome. Last evaluated: 2024-03-27. Review status: criteria provided, single submitter. Criteria: Ambry Variant Classification Scheme 2023. Collection method: clinical testing. Allele origin: germline.
Comment: The p.S3366N variant (also known as c.10097G>A), located in coding exon 26 of the BRCA2 gene, results from a G to A substitution at nucleotide position 10097. The serine at codon 3366 is replaced by asparagine, an amino acid with highly similar properties. This amino acid position is conserved. In addition, this alteration is predicted to be tolerated by in silico analysis. Based on the available evidence, the clinical significance of this alteration remains unclear.